The following is an entry in ClinVar:

NM_004517.4(ILK):c.*2A>G

Genes: ILK (integrin linked kinase; plus strand), TAF10 (TATA-box binding protein associated factor 10; minus strand). Cytogenetic location: 11p15.4.
Variant type: single nucleotide variant.
Coding change: c.*2A>G on transcript NM_004517.4 (MANE Select); 2 bases downstream of the stop codon, A replaced by G.
Molecular consequence: 3 prime UTR variant.
Genome position (GRCh38, 1-based): chr11:6,610,613, A>G. VCF-style: chr11-6610613-A-G. GRCh37 (hg19) VCF-style: chr11-6631844-A-G.
Other names: c.*2A>G (NM_001014794.3, NM_001014795.3, NM_001278441.2 and 1 more transcripts); c.*309T>C (NM_006284.4).
Identifiers: ClinVar variation 390863 (VCV000390863.2), dbSNP rs778105132, ClinGen allele CA5858359.
Genomic context (GRCh38, chr11:6,610,613, plus strand): 5'-CAAAGCGACCCAAATTTGACATGATTGTGCCTATCCTTGAGAAGATGCAGGACAAGTAGG[A>G]CTGGAAGGTCCTTGCCTGAACTCCAGAGGTGTCGGGACATGGTTGGGGGAATGCACCTCC-3'

ClinVar aggregate classification (germline): Likely benign (1 of 4 stars; one submission).

Allele frequency attached by ClinVar (database versions not stated): TOPMed below 0.00001; gnomAD 0.00001; gnomAD exomes 0.00001 and 0.00002; ExAC 0.00002.
gnomAD v4.1: 5 of 1,614,078 alleles (0.00031%); highest among the groups gnomAD compares: Admixed American, 0.005%; no homozygotes.

Submission:

GeneDx
Classification: Likely benign. Last evaluated: 2016-11-15. Review status: criteria provided, single submitter. Criteria: GeneDx Variant Classification (06012015). Collection method: clinical testing. Allele origin: germline. Affected: yes.
Comment: This variant is considered likely benign or benign based on one or more of the following criteria: it is a conservative change, it occurs at a poorly conserved position in the protein, it is predicted to be benign by multiple in silico algorithms, and/or has population frequency not consistent with disease.